The following is an entry in ClinVar:

ClinVar aggregate classification (germline): Uncertain significance. Review status: criteria provided, multiple submitters, no conflicts (2 of 4 stars). 2 submissions from 2 submitters: Uncertain significance (2). Last evaluated 2025-05-19.

Conditions:
Dyskeratosis congenita, autosomal dominant 2. Identifiers: MedGen C3151443, MONDO:0013521, OMIM 613989.
Idiopathic Pulmonary Fibrosis. Also called: Idiopathic fibrosing alveolitis, chronic form; idiopathic fibrosing alveolitis. Identifiers: Orphanet 2032, MedGen C1800706, MeSH D054990, MONDO:0800504.
Dyskeratosis congenita. Identifiers: Orphanet 1775, MedGen C0265965, MONDO:0015780.

Allele frequency attached by ClinVar (database versions not stated): TOPMed below 0.00001.

Submissions (2):

Ambry Genetics
Classification: Uncertain significance for Dyskeratosis congenita. Last evaluated: 2025-05-19. Review status: criteria provided, single submitter. Criteria: Ambry Variant Classification Scheme 2023. Collection method: clinical testing. Allele origin: germline.
Comment: The p.V212L variant (also known as c.634G>C), located in coding exon 2 of the TERT gene, results from a G to C substitution at nucleotide position 634. The valine at codon 212 is replaced by leucine, an amino acid with highly similar properties. This amino acid position is conserved. In addition, this alteration is predicted to be tolerated by in silico analysis. Based on the available evidence, the clinical significance of this variant remains unclear.

Labcorp Genetics (formerly Invitae), Labcorp
Classification: Uncertain significance for Dyskeratosis congenita, autosomal dominant 2; Idiopathic Pulmonary Fibrosis. Last evaluated: 2022-11-19. Review status: criteria provided, single submitter. Criteria: Invitae Variant Classification Sherloc (09022015). Collection method: clinical testing. Allele origin: germline.
Comment: In summary, the available evidence is currently insufficient to determine the role of this variant in disease. Therefore, it has been classified as a Variant of Uncertain Significance. Algorithms developed to predict the effect of missense changes on protein structure and function (SIFT, PolyPhen-2, Align-GVGD) all suggest that this variant is likely to be tolerated. This variant has not been reported in the literature in individuals affected with TERT-related conditions. This variant is not present in population databases (gnomAD no frequency). This sequence change replaces valine, which is neutral and non-polar, with leucine, which is neutral and non-polar, at codon 212 of the TERT protein (p.Val212Leu).

NM_198253.3(TERT):c.634G>C (p.Val212Leu)

Gene: TERT (telomerase reverse transcriptase; minus strand). Cytogenetic location: 5p15.33.
Variant type: single nucleotide variant.
Coding change: c.634G>C on transcript NM_198253.3 (MANE Select); coding-DNA position 634, G replaced by C.
Protein change: p.Val212Leu; replaces valine 212 with leucine.
Molecular consequence: missense variant. On other transcripts: non-coding transcript variant (2).
Genome position (GRCh38, 1-based): chr5:1,294,252, C>G on the plus strand (G>C on the coding strand, the complement: TERT is on the minus strand). VCF-style: chr5-1294252-C-G. GRCh37 (hg19) VCF-style: chr5-1294367-C-G.
Other names: c.634G>C, p.Val212Leu (NM_001193376.3, NM_003219.1); short protein forms V212L.
Identifiers: ClinVar variation 2937385 (VCV002937385.4), dbSNP rs1751224811, ClinGen allele CA359057131.